The following is an entry in ClinVar:

ClinVar aggregate classification (germline): Uncertain significance. Review status: criteria provided, multiple submitters, no conflicts (2 of 4 stars). 2 submissions from 2 submitters: Uncertain significance (2). Last evaluated 2025-11-18.

Conditions:
OTOF-related disorder. Also called: OTOF-related condition.

Allele frequency attached by ClinVar (database versions not stated): gnomAD 0.00001; TOPMed 0.00001.
gnomAD v4.1: 5 of 1,612,576 alleles (0.00031%); highest among the groups gnomAD compares: Non-Finnish European, 0.00042%; no homozygotes.

Submissions (2):

PreventionGenetics, part of Exact Sciences
Classification: Uncertain significance for OTOF-related condition. Last evaluated: 2025-11-18. Review status: criteria provided, single submitter. Criteria: ACMG Guidelines, 2015. Collection method: clinical testing. Allele origin: germline.
Comment: The OTOF c.2267C>T variant is predicted to result in the amino acid substitution p.Pro756Leu. To our knowledge, this variant has not been reported in the literature or in a large population database (gnomAD), indicating this variant is rare. At this time, the clinical significance of this variant is uncertain due to the absence of conclusive functional and genetic evidence.

Labcorp Genetics (formerly Invitae), Labcorp
Classification: Uncertain significance. Last evaluated: 2021-03-07. Review status: criteria provided, single submitter. Criteria: Invitae Variant Classification Sherloc (09022015). Collection method: clinical testing. Allele origin: germline.
Comment: In summary, the available evidence is currently insufficient to determine the role of this variant in disease. Therefore, it has been classified as a Variant of Uncertain Significance. Algorithms developed to predict the effect of missense changes on protein structure and function are either unavailable or do not agree on the potential impact of this missense change (SIFT: "Deleterious"; PolyPhen-2: "Benign"; Align-GVGD: "Class C65"). This variant has not been reported in the literature in individuals with OTOF-related conditions. This variant is not present in population databases (ExAC no frequency). This sequence change replaces proline with leucine at codon 756 of the OTOF protein (p.Pro756Leu). The proline residue is highly conserved and there is a moderate physicochemical difference between proline and leucine.

NM_194248.3(OTOF):c.2267C>T (p.Pro756Leu)

Genes: OTOF (otoferlin; minus strand), LOC129933334 (ATAC-STARR-seq lymphoblastoid active region 15473; plus strand). Cytogenetic location: 2p23.3.
Variant type: single nucleotide variant.
Coding change: c.2267C>T on transcript NM_194248.3 (MANE Select); coding-DNA position 2267, C replaced by T.
Protein change: p.Pro756Leu; replaces proline 756 with leucine.
Molecular consequence: missense variant.
Genome position (GRCh38, 1-based): chr2:26,477,697, G>A on the plus strand (C>T on the coding strand, the complement: OTOF is on the minus strand). VCF-style: chr2-26477697-G-A. GRCh37 (hg19) VCF-style: chr2-26700565-G-A.
Other names: c.2267C>T, p.Pro756Leu (NM_001287489.2); c.26C>T, p.Pro9Leu (NM_004802.4, NM_194323.3); c.197C>T, p.Pro66Leu (NM_194322.3); c.2267C>T (NM_194248.2); short protein forms P66L, P756L, P9L.
Identifiers: ClinVar variation 1460512 (VCV001460512.9), dbSNP rs1249894717, ClinGen allele CA346123733.